The following is an entry in ClinVar:

ClinVar aggregate classification (germline): Uncertain significance. Review status: criteria provided, multiple submitters, no conflicts (2 of 4 stars). 3 submissions from 3 submitters: Uncertain significance (3). Last evaluated 2025-01-02.

Conditions:
Neurodevelopmental disorder with dysmorphic facies and distal limb anomalies. Identifiers: Orphanet 686482, MedGen C4540327, MONDO:0060596, OMIM 617755.

Allele frequency attached by ClinVar (database versions not stated): TOPMed 0.00002.

Submissions (3):

Revvity Omics, Revvity
Classification: Uncertain significance for Neurodevelopmental disorder with dysmorphic facies and distal limb anomalies. Last evaluated: 2025-01-02. Review status: criteria provided, single submitter. Criteria: ACMG Guidelines, 2015. Collection method: clinical testing. Allele origin: germline.

GeneDx
Classification: Uncertain significance. Last evaluated: 2023-06-16. Review status: criteria provided, single submitter. Criteria: GeneDx Variant Classification Process June 2021. Collection method: clinical testing. Allele origin: germline. Affected: yes.
Comment: Not observed at significant frequency in large population cohorts (gnomAD); In silico analysis supports that this missense variant does not alter protein structure/function; Has not been previously published as pathogenic or benign to our knowledge

Baylor Genetics
Classification: Uncertain significance for Neurodevelopmental disorder with dysmorphic facies and distal limb anomalies. Last evaluated: 2021-05-03. Review status: criteria provided, single submitter. Criteria: ACMG Guidelines, 2015. Collection method: clinical testing. Allele origin: unknown.

NM_182641.4(BPTF):c.1463A>G (p.Glu488Gly)

Gene: BPTF (bromodomain PHD finger transcription factor; plus strand). Cytogenetic location: 17q24.2.
Variant type: single nucleotide variant.
Coding change: c.1463A>G on transcript NM_182641.4 (MANE Select); coding-DNA position 1463, A replaced by G.
Protein change: p.Glu488Gly; replaces glutamic acid 488 with glycine.
Molecular consequence: missense variant.
Genome position (GRCh38, 1-based): chr17:67,866,490, A>G. VCF-style: chr17-67866490-A-G. GRCh37 (hg19) VCF-style: chr17-65862606-A-G.
Other names: c.1463A>G (NM_004459.6); c.1463A>G, p.Glu488Gly (NM_004459.7); short protein forms E488G.
Identifiers: ClinVar variation 2441954 (VCV002441954.3), dbSNP rs1218501705, ClinGen allele CA400713686.
Genomic context (GRCh38, chr17:67,866,490, plus strand): 5'-AACATATAAAGTATTTCCCCCCATTTTTAAACAGAGAAGAAGATACAGAAAATGAAAATG[A>G]AAAGAAAATTTGGTATTACAGCACAAAGGTCCAACTTGCAGAATTAATTGACTGTCTAGA-3'
Protein context (NP_872579.2, residues 478-498): IIEEDTENEN[Glu488Gly]KKIWYYSTKV